The following is an entry in ClinVar:

ClinVar aggregate classification (germline): Uncertain significance (1 of 4 stars; one submission).

Conditions:
Charcot-Marie-Tooth disease type 2. Also called: Charcot-Marie-Tooth type 2. Identifiers: Orphanet 64746, MedGen C0270914, MONDO:0018993.

Allele frequency attached by ClinVar (database versions not stated): gnomAD exomes below 0.00001.
gnomAD v4.1: 1 of 1,613,934 alleles (0.000062%); highest among the groups gnomAD compares: Admixed American, 0.0017%; no homozygotes.

Submission:

Labcorp Genetics (formerly Invitae), Labcorp
Classification: Uncertain significance for Charcot-Marie-Tooth disease type 2. Last evaluated: 2021-02-07. Review status: criteria provided, single submitter. Criteria: Invitae Variant Classification Sherloc (09022015). Collection method: clinical testing. Allele origin: germline.
Comment: This sequence change replaces isoleucine with valine at codon 579 of the AARS protein (p.Ile579Val). The isoleucine residue is weakly conserved and there is a small physicochemical difference between isoleucine and valine. In summary, the available evidence is currently insufficient to determine the role of this variant in disease. Therefore, it has been classified as a Variant of Uncertain Significance. Algorithms developed to predict the effect of missense changes on protein structure and function output the following: SIFT: "Tolerated"; PolyPhen-2: "Benign"; Align-GVGD: "Class C0". The valine amino acid residue is found in multiple mammalian species, suggesting that this missense change does not adversely affect protein function. These predictions have not been confirmed by published functional studies and their clinical significance is uncertain. This variant has not been reported in the literature in individuals with AARS-related conditions. This variant is not present in population databases (ExAC no frequency).

NM_001605.3(AARS1):c.1735A>G (p.Ile579Val)

Gene: AARS1 (alanyl-tRNA synthetase 1; minus strand). Cytogenetic location: 16q22.1.
Variant type: single nucleotide variant.
Coding change: c.1735A>G on transcript NM_001605.3 (MANE Select); coding-DNA position 1735, A replaced by G.
Protein change: p.Ile579Val; replaces isoleucine 579 with valine.
Molecular consequence: missense variant.
Genome position (GRCh38, 1-based): chr16:70,261,094, T>C on the plus strand (A>G on the coding strand, the complement: AARS1 is on the minus strand). VCF-style: chr16-70261094-T-C. GRCh37 (hg19) VCF-style: chr16-70294997-T-C.
Other names: short protein forms I579V.
Identifiers: ClinVar variation 1682204 (VCV001682204.8), dbSNP rs1960121476, ClinGen allele CA396559372.
Genomic context (GRCh38, chr16:70,261,094, plus strand): 5'-CCCAACTCACCTCATCAATAAACAGCCAGACCTGATCCCCCACTTTCAGGTCACCGTAGA[T>C]GGTTCCAATGTGTAGCACATACCCTCCTCGGACCTGAGCATTCTTCACTGTAAACTCTGT-3'
Protein context (NP_001596.2, residues 569-589): RGGYVLHIGT[Ile579Val]YGDLKVGDQV